The following is an entry in ClinVar:

ClinVar aggregate classification (germline): Uncertain significance (1 of 4 stars; one submission).

Submission:

GeneDx
Classification: Uncertain significance. Last evaluated: 2024-07-27. Review status: criteria provided, single submitter. Criteria: GeneDx Variant Classification Process June 2021. Collection method: clinical testing. Allele origin: germline. Affected: yes.
Comment: In silico analysis supports that this missense variant has a deleterious effect on protein structure/function; Has not been previously published as pathogenic or benign to our knowledge

NM_001348716.2(KDM6B):c.3560G>C (p.Ser1187Thr)

Gene: KDM6B (lysine demethylase 6B; plus strand). Cytogenetic location: 17p13.1.
Variant type: single nucleotide variant.
Coding change: c.3560G>C on transcript NM_001348716.2 (MANE Select); coding-DNA position 3560, G replaced by C.
Protein change: p.Ser1187Thr; replaces serine 1187 with threonine.
Molecular consequence: missense variant.
Genome position (GRCh38, 1-based): chr17:7,849,940, G>C. VCF-style: chr17-7849940-G-C. GRCh37 (hg19) VCF-style: chr17-7753258-G-C.
Other names: c.3560G>C, p.Ser1187Thr (NM_001080424.2); short protein forms S1187T.
Identifiers: ClinVar variation 3602301 (VCV003602301.1).
Genomic context (GRCh38, chr17:7,849,940, plus strand): 5'-AACCGAAGATCAACACTGAGGAGAAGCTGCCCCGGGAAAAACTCAACCCCCCTACACCCA[G>C]CATCTATGTATGTGTGCCACTTGGCCTCAGAACCACCCCTGCCAGAGGGTTCTAAGACAG-3'
Protein context (NP_001335645.1, residues 1177-1197): PREKLNPPTP[Ser1187Thr]IYLESKRDAF